The following is an entry in ClinVar:

NM_006231.4(POLE):c.4228C>A (p.His1410Asn)

Gene: POLE (DNA polymerase epsilon, catalytic subunit; minus strand). Cytogenetic location: 12q24.33.
Variant type: single nucleotide variant.
Coding change: c.4228C>A on transcript NM_006231.4 (MANE Select); coding-DNA position 4228, C replaced by A.
Protein change: p.His1410Asn; replaces histidine 1410 with asparagine.
Molecular consequence: missense variant.
Genome position (GRCh38, 1-based): chr12:132,643,899, G>T on the plus strand (C>A on the coding strand, the complement: POLE is on the minus strand). VCF-style: chr12-132643899-G-T. GRCh37 (hg19) VCF-style: chr12-133220485-G-T.
Other names: short protein forms H1410N.
Identifiers: ClinVar variation 3781600 (VCV003781600.1).

ClinVar aggregate classification (germline): Uncertain significance (1 of 4 stars; one submission).

Conditions:
Hereditary cancer-predisposing syndrome. Also called: Neoplastic Syndromes, Hereditary; Hereditary Cancer Syndrome; Tumor predisposition; Hereditary neoplastic syndrome. Identifiers: Orphanet 140162, MedGen C0027672, MeSH D009386, MONDO:0015356.

Submission:

Ambry Genetics
Classification: Uncertain significance for Hereditary cancer-predisposing syndrome. Last evaluated: 2025-02-28. Review status: criteria provided, single submitter. Criteria: Ambry Variant Classification Scheme 2023. Collection method: clinical testing. Allele origin: germline.
Comment: The p.H1410N variant (also known as c.4228C>A), located in coding exon 33 of the POLE gene, results from a C to A substitution at nucleotide position 4228. The histidine at codon 1410 is replaced by asparagine, an amino acid with similar properties. This amino acid position is conserved. In addition, this alteration is predicted to be tolerated by in silico analysis. Based on the available evidence, the clinical significance of this variant remains unclear.